The following is an entry in ClinVar:

ClinVar aggregate classification (germline): Uncertain significance (1 of 4 stars; one submission).

Conditions:
Joubert syndrome. Also called: CEREBELLOPARENCHYMAL DISORDER IV; JOUBERT-BOLTSHAUSER SYNDROME; Familial aplasia of the vermis. Identifiers: Orphanet 475, MedGen C5979921, MONDO:0018772.
Meckel-Gruber syndrome. Also called: DYSENCEPHALIA SPLANCHNOCYSTICA; GRUBER SYNDROME; Dysencephalia splachnocystica. Identifiers: Orphanet 564, MedGen C0265215, MONDO:0018921.

Submission:

Labcorp Genetics (formerly Invitae), Labcorp
Classification: Uncertain significance for Joubert syndrome; Meckel-Gruber syndrome. Last evaluated: 2022-01-03. Review status: criteria provided, single submitter. Criteria: Invitae Variant Classification Sherloc (09022015). Collection method: clinical testing. Allele origin: germline.
Comment: This variant, c.52_57del, results in the deletion of 2 amino acid(s) of the RPGRIP1L protein (p.Gly18_Leu19del), but otherwise preserves the integrity of the reading frame. This variant is not present in population databases (gnomAD no frequency). This variant has not been reported in the literature in individuals affected with RPGRIP1L-related conditions. Experimental studies and prediction algorithms are not available or were not evaluated, and the functional significance of this variant is currently unknown. In summary, the available evidence is currently insufficient to determine the role of this variant in disease. Therefore, it has been classified as a Variant of Uncertain Significance.

NM_015272.5(RPGRIP1L):c.52_57del (p.Gly18_Leu19del)

Gene: RPGRIP1L (RPGRIP1 like; minus strand). Cytogenetic location: 16q12.2.
Variant type: Deletion.
Coding change: c.52_57del on transcript NM_015272.5 (MANE Select); coding-DNA positions 52 to 57, 6 bases deleted (GGTCTA; older notation c.52_57delGGTCTA).
Protein change: p.Gly18_Leu19del.
Molecular consequence: inframe deletion.
Genome position (GRCh38, 1-based): chr16:53,700,667-53,700,672, TAGACC deleted on the plus strand (GGTCTA on the coding strand, the reverse complement: RPGRIP1L is on the minus strand); deleting any 6 consecutive bases within chr16:53,700,667-53,700,673 gives the same sequence; the c. name uses the placement nearest the transcript's 3' end. VCF-style (leftmost placement, unchanged base first): chr16-53700666-TTAGACC-T. GRCh37 (hg19) VCF-style: chr16-53734578-TTAGACC-T.
Other names: c.52_57del, p.Gly18_Leu19del (NM_001127897.4, NM_001308334.3, NM_001328422.2 and 2 more transcripts).
Identifiers: ClinVar variation 1936557 (VCV001936557.2), dbSNP rs779279825, ClinGen allele CA8058234.
Genomic context (GRCh38, chr16:53,700,666, plus strand): 5'-TTCATAACTGTAATAAATAACAGCTGGCCATACCTTGTAACCCTCCCATTCCAAAGAGGT[TTAGACC>T]TGTATCTTTCACAGGCAAGTCTCCTGCAGTCTCATCAGTTGGACCAGACATGGCCTAGCT-3'